The following is an entry in ClinVar:

NM_000337.6(SGCD):c.*1873C>T

Gene: SGCD (sarcoglycan delta; plus strand). Cytogenetic location: 5q33.3.
Variant type: single nucleotide variant.
Coding change: c.*1873C>T on transcript NM_000337.6 (MANE Select); 1873 bases downstream of the stop codon, C replaced by T.
Molecular consequence: 3 prime UTR variant.
Genome position (GRCh38, 1-based): chr5:156,761,263, C>T. VCF-style: chr5-156761263-C-T. GRCh37 (hg19) VCF-style: chr5-156188274-C-T.
Other names: c.*1873C>T (NM_001128209.2).
Identifiers: ClinVar variation 2655985 (VCV002655985.24), dbSNP rs554764188, ClinGen allele CA130642450.

ClinVar aggregate classification (germline): Benign (1 of 4 stars; one submission).

Allele frequency attached by ClinVar (database versions not stated): TOPMed 0.00014; gnomAD 0.00060; 1000 Genomes Project 0.00319; 1000 Genomes Project 30x 0.00328.

Submission:

CeGaT Center for Human Genetics Tuebingen
Classification: Benign. Last evaluated: 2022-11-01. Review status: criteria provided, single submitter. Criteria: CeGaT Center For Human Genetics Tuebingen Variant Classification Criteria Version 2. Collection method: clinical testing. Allele origin: germline. Affected: yes. Observed: 1 variant allele.
Comment: SGCD: BS1, BS2